The following is an entry in ClinVar:

NM_003458.4(BSN):c.5182A>G (p.Thr1728Ala)

Gene: BSN (bassoon presynaptic cytomatrix protein; plus strand). Cytogenetic location: 3p21.31.
Variant type: single nucleotide variant.
Coding change: c.5182A>G on transcript NM_003458.4 (MANE Select); coding-DNA position 5182, A replaced by G.
Protein change: p.Thr1728Ala; replaces threonine 1728 with alanine.
Molecular consequence: missense variant.
Genome position (GRCh38, 1-based): chr3:49,654,738, A>G. VCF-style: chr3-49654738-A-G. GRCh37 (hg19) VCF-style: chr3-49692171-A-G.
Other names: short protein forms T1728A.
Identifiers: ClinVar variation 4993422 (VCV004993422.1).

ClinVar aggregate classification (germline): Uncertain significance (1 of 4 stars; one submission).

Conditions:
BSN-related disorder. Also called: BSN-related condition.

gnomAD v4.1: 1 of 1,613,604 alleles (0.000062%); highest among the groups gnomAD compares: Non-Finnish European, 0.000085%; no homozygotes.

Submission:

PreventionGenetics, part of Exact Sciences
Classification: Uncertain significance for BSN-related condition. Last evaluated: 2026-07-24. Review status: criteria provided, single submitter. Criteria: ACMG Guidelines, 2015. Collection method: clinical testing. Allele origin: germline.
Comment: The BSN c.5182A>G variant is predicted to result in the amino acid substitution p.Thr1728Ala. To our knowledge, this variant has not been reported in the literature or in a large population database (gnomAD), indicating this variant is rare. At this time, the clinical significance of this variant is uncertain due to the absence of conclusive functional and genetic evidence.